The following is an entry in ClinVar:

ClinVar aggregate classification (germline): Uncertain significance (1 of 4 stars; one submission).

Submission:

GeneDx
Classification: Uncertain significance. Last evaluated: 2022-07-22. Review status: criteria provided, single submitter. Criteria: GeneDx Variant Classification Process June 2021. Collection method: clinical testing. Allele origin: germline. Affected: yes.
Comment: Not observed at significant frequency in large population cohorts (gnomAD); In silico analysis supports that this missense variant has a deleterious effect on protein structure/function; Has not been previously published as pathogenic or benign to our knowledge

NM_020922.5(WNK3):c.1075C>T (p.Arg359Trp)

Gene: WNK3 (WNK lysine deficient protein kinase 3; minus strand). Cytogenetic location: Xp11.22.
Variant type: single nucleotide variant.
Coding change: c.1075C>T on transcript NM_020922.5 (MANE Select); coding-DNA position 1075, C replaced by T.
Protein change: p.Arg359Trp; replaces arginine 359 with tryptophan.
Molecular consequence: missense variant.
Genome position (GRCh38, 1-based): chrX:54,307,936, G>A on the plus strand (C>T on the coding strand, the complement: WNK3 is on the minus strand). VCF-style: chrX-54307936-G-A. GRCh37 (hg19) VCF-style: chrX-54334369-G-A.
Other names: c.1075C>T, p.Arg359Trp (NM_001002838.4, NM_001395166.1); short protein forms R359W.
Identifiers: ClinVar variation 2412965 (VCV002412965.3), dbSNP rs2521900661, ClinGen allele CA413350338.
Genomic context (GRCh38, chrX:54,307,936, plus strand): 5'-TGAAACGTGGCAACTGATAAAGTAAAAAGAAAAAAGTTATACCTACACTAGTTACTTTCC[G>A]GTATATTTGAGCTGCATTCTGACACTCAGAATAAGGATACTCCGATGTGGCCATTTCCAG-3'
Protein context (NP_065973.2, residues 349-369): SECQNAAQIY[Arg359Trp]KVTSGIKPAS